The following is an entry in ClinVar:

ClinVar aggregate classification (germline): Uncertain significance. Review status: criteria provided, multiple submitters, no conflicts (2 of 4 stars). 2 submissions from 2 submitters: Uncertain significance (2). Last evaluated 2025-07-28.

gnomAD v4.1: 1 of 1,613,970 alleles (0.000062%); highest among the groups gnomAD compares: Non-Finnish European, 0.000085%; no homozygotes.

Submissions (2):

Ambry Genetics
Classification: Uncertain significance. Last evaluated: 2025-07-28. Review status: criteria provided, single submitter. Criteria: Ambry Variant Classification Scheme 2023. Collection method: clinical testing. Allele origin: germline.
Comment: The p.N4K variant (also known as c.12T>A), located in coding exon 1 of the GEN1 gene, results from a T to A substitution at nucleotide position 12. The asparagine at codon 4 is replaced by lysine, an amino acid with similar properties. This amino acid position is conserved. In addition, this alteration is predicted to be tolerated by in silico analysis. Based on the available evidence, the clinical significance of this variant remains unclear.

Labcorp Genetics (formerly Invitae), Labcorp
Classification: Uncertain significance. Last evaluated: 2022-03-27. Review status: criteria provided, single submitter. Criteria: Invitae Variant Classification Sherloc (09022015). Collection method: clinical testing. Allele origin: germline.
Comment: In summary, the available evidence is currently insufficient to determine the role of this variant in disease. Therefore, it has been classified as a Variant of Uncertain Significance. Algorithms developed to predict the effect of missense changes on protein structure and function (SIFT, PolyPhen-2, Align-GVGD) all suggest that this variant is likely to be tolerated. This variant has not been reported in the literature in individuals affected with GEN1-related conditions. This variant is not present in population databases (gnomAD no frequency). This sequence change replaces asparagine, which is neutral and polar, with lysine, which is basic and polar, at codon 4 of the GEN1 protein (p.Asn4Lys).

NM_001130009.3(GEN1):c.12T>A (p.Asn4Lys)

Gene: GEN1 (GEN1 structure-specific endonuclease; plus strand). Cytogenetic location: 2p24.2.
Variant type: single nucleotide variant.
Coding change: c.12T>A on transcript NM_001130009.3 (MANE Select); coding-DNA position 12, T replaced by A.
Protein change: p.Asn4Lys; replaces asparagine 4 with lysine.
Molecular consequence: missense variant.
Genome position (GRCh38, 1-based): chr2:17,759,955, T>A. VCF-style: chr2-17759955-T-A. GRCh37 (hg19) VCF-style: chr2-17941222-T-A.
Other names: c.12T>A, p.Asn4Lys (NM_182625.5); c.12T>A (NM_001130009.1); short protein forms N4K.
Identifiers: ClinVar variation 1927617 (VCV001927617.6), dbSNP rs2545543119, ClinGen allele CA345904575.